The following is an entry in ClinVar:

NM_000263.4(NAGLU):c.942C>G (p.Phe314Leu)

Gene: NAGLU (N-acetyl-alpha-glucosaminidase; plus strand). Cytogenetic location: 17q21.2.
Variant type: single nucleotide variant.
Coding change: c.942C>G on transcript NM_000263.4 (MANE Select); coding-DNA position 942, C replaced by G.
Protein change: p.Phe314Leu; replaces phenylalanine 314 with leucine.
Molecular consequence: missense variant.
Genome position (GRCh38, 1-based): chr17:42,541,127, C>G. VCF-style: chr17-42541127-C-G. GRCh37 (hg19) VCF-style: chr17-40693145-C-G.
Other names: c.942C>G (NM_000263.3); short protein forms F314L.
Identifiers: ClinVar variation 1570 (VCV000001570.11), dbSNP rs118204025, ClinGen allele CA115053.

ClinVar aggregate classification (germline): Pathogenic/Likely pathogenic. Review status: criteria provided, multiple submitters, no conflicts (2 of 4 stars). 5 submissions from 5 submitters: Pathogenic (2); Likely pathogenic (1). 2 of the submissions do not count toward it. Last evaluated 2025-02-19.

Conditions:
NAGLU-related disorder. Also called: NAGLU-related condition.
Charcot-Marie-Tooth disease axonal type 2V. Also called: CHARCOT-MARIE-TOOTH NEUROPATHY, TYPE 2V; CHARCOT-MARIE-TOOTH DISEASE, AXONAL, AUTOSOMAL DOMINANT, TYPE 2V. Identifiers: Orphanet 447964, MedGen C5569050, MONDO:0014665, OMIM 616491.
Mucopolysaccharidosis, MPS-III-B (MPS3B). Also called: MPS III B; Mucopolysaccharidosis type IIIB (Sanfilippo B); SANFILIPPO SYNDROME B; MUCOPOLYSACCHARIDOSIS, TYPE IIIB; MPS IIIB (Sanfilippo Syndrome Type B); N-ACETYL-ALPHA-D-GLUCOSAMINIDASE DEFICIENCY. Identifiers: Orphanet 79270, MedGen C0086648, MONDO:0009656, OMIM 252920.

Allele frequency attached by ClinVar (database versions not stated): gnomAD exomes 0.00001.

Submissions (5):

3billion
Classification: Pathogenic for Mucopolysaccharidosis, MPS-III-B. Last evaluated: 2025-02-19. Review status: criteria provided, single submitter. Criteria: ACMG Guidelines, 2015. Collection method: clinical testing. Allele origin: germline. Affected: yes.
Comment: The variant is observed at an extremely low frequency in the gnomAD v4.1.0 dataset (total allele frequency: <0.001%). Predicted Consequence/Location: Missense variant In silico tool predictions suggest damaging effect of the variant on gene or gene product [REVEL: 0.72 (>=0.6, sensitivity 0.68 and specificity 0.92); 3Cnet: 0.98 (>=0.6, sensitivity 0.72 and precision 0.9)]. The same nucleotide change resulting in the same amino acid change has been previously reported as pathogenic/likely pathogenic with strong evidence (ClinVar ID: VCV000001570 /PMID: 27243974). Different missense changes at the same codon (p.Phe314Ser, p.Phe314Val) have been reported as pathogenic/likely pathogenic with strong evidence (ClinVar ID: VCV001345828, VCV001495526). Therefore, this variant is classified as Pathogenic according to the recommendation of ACMG/AMP guideline.

Fulgent Genetics
Classification: Likely pathogenic for Mucopolysaccharidosis, MPS-III-B; Charcot-Marie-Tooth disease axonal type 2V. Last evaluated: 2024-03-06. Review status: criteria provided, single submitter. Criteria: ACMG Guidelines, 2015. Collection method: clinical testing. Allele origin: germline.

Labcorp Genetics (formerly Invitae), Labcorp
Classification: Pathogenic for Charcot-Marie-Tooth disease axonal type 2V; Mucopolysaccharidosis, MPS-III-B. Last evaluated: 2024-01-12. Review status: criteria provided, single submitter. Criteria: Invitae Variant Classification Sherloc (09022015). Collection method: clinical testing. Allele origin: germline.
Comment: This sequence change replaces phenylalanine, which is neutral and non-polar, with leucine, which is neutral and non-polar, at codon 314 of the NAGLU protein (p.Phe314Leu). This variant is present in population databases (rs118204025, gnomAD 0.003%). This missense change has been observed in individual(s) with mucopolysaccharidosis IIIB (PMID: 12202988, 27243974). In at least one individual the data is consistent with being in trans (on the opposite chromosome) from a pathogenic variant. ClinVar contains an entry for this variant (Variation ID: 1570). Advanced modeling of protein sequence and biophysical properties (such as structural, functional, and spatial information, amino acid conservation, physicochemical variation, residue mobility, and thermodynamic stability) performed at Invitae indicates that this missense variant is expected to disrupt NAGLU protein function with a positive predictive value of 95%. For these reasons, this variant has been classified as Pathogenic.

PreventionGenetics, part of Exact Sciences
Classification: Uncertain significance for NAGLU-related condition. Last evaluated: 2023-11-14. Review status: no assertion criteria provided. Collection method: clinical testing. Allele origin: germline. Not counted in ClinVar's aggregate classification.
Comment: The NAGLU c.942C>G variant is predicted to result in the amino acid substitution p.Phe314Leu. This variant has been reported in the homozygous state or with a second NAGLU variant in individuals with mucopolysaccharidosis type IIIB (Supplementary Table S2, Yubero et al. 2016. PubMed ID: 27243974; Tanaka et al. 2002. PubMed ID: 12202988). This variant is reported in 0.0029% of alleles in individuals of Latino descent in gnomAD. Although we suspect that this variant may be pathogenic, at this time, the clinical significance of this variant is uncertain due to the absence of conclusive functional and genetic evidence.

OMIM
Classification: Pathogenic for MUCOPOLYSACCHARIDOSIS, TYPE IIIB. Last evaluated: 2002-01-01. Review status: no assertion criteria provided. Collection method: literature only. Allele origin: germline. Not counted in ClinVar's aggregate classification.

Literature cited by the submitters: PubMed 27243974 (cited by 3billion and Labcorp Genetics (formerly Invitae), Labcorp); PubMed 12202988 (cited by Labcorp Genetics (formerly Invitae), Labcorp and OMIM).